The following is an entry in ClinVar:

NM_004393.6(DAG1):c.1757C>T (p.Ser586Leu)

Gene: DAG1 (dystroglycan 1; plus strand). Cytogenetic location: 3p21.31.
Variant type: single nucleotide variant.
Coding change: c.1757C>T on transcript NM_004393.6 (MANE Select); coding-DNA position 1757, C replaced by T.
Protein change: p.Ser586Leu; replaces serine 586 with leucine.
Molecular consequence: missense variant.
Genome position (GRCh38, 1-based): chr3:49,532,268, C>T. VCF-style: chr3-49532268-C-T. GRCh37 (hg19) VCF-style: chr3-49569701-C-T.
Other names: p.Ser586Leu; c.1757C>T, p.Ser586Leu (NM_001165928.4, NM_001177634.3, NM_001177635.3 and 9 more transcripts); short protein forms S586L.
Identifiers: ClinVar variation 539131 (VCV000539131.11), dbSNP rs371990100, ClinGen allele CA2399139.

ClinVar aggregate classification (germline): Uncertain significance. Review status: criteria provided, multiple submitters, no conflicts (2 of 4 stars). 6 submissions from 6 submitters: Uncertain significance (6). Last evaluated 2025-05-27.

Conditions:
Muscular dystrophy-dystroglycanopathy (congenital with brain and eye anomalies), type A9. Also called: WALKER-WARBURG SYNDROME OR MUSCLE-EYE BRAIN DISEASE, DAG1-RELATED; Muscular dystrophy-dystroglycanopathy (congenital with brain and eye anomalies), type a, 9. Identifiers: Orphanet 370997, Orphanet 899, MedGen C4225291, MONDO:0014683, OMIM 616538.
Autosomal recessive limb-girdle muscular dystrophy type 2P. Also called: MUSCULAR DYSTROPHY-DYSTROGLYCANOPATHY, LIMB-GIRDLE, DAG1-RELATED; MUSCULAR DYSTROPHY, LIMB-GIRDLE, TYPE 2P; Limb-Girdle Muscular Dystrophy Type 9C. Identifiers: Orphanet 280333, MedGen C4511963, MONDO:0013440, OMIM 613818.
Inborn genetic diseases. Identifiers: MedGen C0950123, MeSH D030342.

Allele frequency attached by ClinVar (database versions not stated): gnomAD exomes 0.00009 and 0.00016; TOPMed 0.00012; ExAC 0.00011; gnomAD 0.00014 and 0.00015; ESP Exome Variant Server 0.00015.
gnomAD v4.1: 253 of 1,613,876 alleles (0.016%); highest among the groups gnomAD compares: Non-Finnish European, 0.02%; no homozygotes.

Submissions (6):

Revvity Omics, Revvity
Classification: Uncertain significance. Last evaluated: 2025-05-27. Review status: criteria provided, single submitter. Criteria: ACMG Guidelines, 2015. Collection method: clinical testing. Allele origin: germline.

GeneDx
Classification: Uncertain significance. Last evaluated: 2025-05-10. Review status: criteria provided, single submitter. Criteria: GeneDx Variant Classification Process June 2021. Collection method: clinical testing. Allele origin: germline. Affected: yes.
Comment: Not observed at significant frequency in large population cohorts (gnomAD); In silico analysis supports that this missense variant has a deleterious effect on protein structure/function; Has not been previously published as pathogenic or benign to our knowledge; This variant is associated with the following publications: (PMID: 21388311)

Mayo Clinic Laboratories, Mayo Clinic
Classification: Uncertain significance. Last evaluated: 2024-03-27. Review status: criteria provided, single submitter. Criteria: ACMG Guidelines, 2015. Collection method: clinical testing. Allele origin: germline. Observed: 1 variant allele.

Ambry Genetics
Classification: Uncertain significance for Inborn genetic diseases. Last evaluated: 2023-12-21. Review status: criteria provided, single submitter. Criteria: Ambry Variant Classification Scheme 2023. Collection method: clinical testing. Allele origin: germline.

Labcorp Genetics (formerly Invitae), Labcorp
Classification: Uncertain significance for Autosomal recessive limb-girdle muscular dystrophy type 2P; Muscular dystrophy-dystroglycanopathy (congenital with brain and eye anomalies), type A9. Last evaluated: 2022-08-02. Review status: criteria provided, single submitter. Criteria: Invitae Variant Classification Sherloc (09022015). Collection method: clinical testing. Allele origin: germline.
Comment: This sequence change replaces serine, which is neutral and polar, with leucine, which is neutral and non-polar, at codon 586 of the DAG1 protein (p.Ser586Leu). This variant is present in population databases (rs371990100, gnomAD 0.01%). This variant has not been reported in the literature in individuals affected with DAG1-related conditions. ClinVar contains an entry for this variant (Variation ID: 539131). Algorithms developed to predict the effect of missense changes on protein structure and function are either unavailable or do not agree on the potential impact of this missense change (SIFT: "Deleterious"; PolyPhen-2: "Benign"; Align-GVGD: "Class C0"). In summary, the available evidence is currently insufficient to determine the role of this variant in disease. Therefore, it has been classified as a Variant of Uncertain Significance.

Athena Diagnostics
Classification: Uncertain significance. Last evaluated: 2018-04-30. Review status: criteria provided, single submitter. Criteria: Athena Diagnostics Criteria. Collection method: clinical testing. Allele origin: germline.